The following is an entry in ClinVar:

ClinVar aggregate classification (germline): Conflicting classifications of pathogenicity. Review status: criteria provided, conflicting classifications (1 of 4 stars). 3 submissions from 3 submitters: Uncertain significance (2); Likely benign (1). Last evaluated 2026-07-01.

Conditions:
SORL1-related disorder. Also called: SORL1-related condition.

Allele frequency attached by ClinVar (database versions not stated): 1000 Genomes Project 0.00060; ESP Exome Variant Server 0.00062; gnomAD exomes 0.00075; ExAC 0.00022; 1000 Genomes Project 30x 0.00047; gnomAD 0.00052 and 0.00054.
gnomAD v4.1: 1,177 of 1,614,168 alleles (0.073%); highest among the groups gnomAD compares: Non-Finnish European, 0.093%; no homozygotes.

Submissions (3):

CeGaT Center for Human Genetics Tuebingen
Classification: Likely benign. Last evaluated: 2026-07-01. Review status: criteria provided, single submitter. Criteria: CeGaT Center For Human Genetics Tuebingen Variant Classification Criteria Version 2. Collection method: clinical testing. Allele origin: germline. Affected: yes. Observed: 2 variant alleles.
Comment: SORL1: BS2

PreventionGenetics, part of Exact Sciences
Classification: Uncertain significance for SORL1-related condition. Last evaluated: 2026-02-27. Review status: criteria provided, single submitter. Criteria: ACMG Guidelines, 2015. Collection method: clinical testing. Allele origin: germline.
Comment: The SORL1 c.6401C>T variant is predicted to result in the amino acid substitution p.Thr2134Met. This variant has been reported in the heterozygous state in multiple individuals from a family with Alzheimer disease and in an individual with Parkinson disease (Table S2, Ghani et al. 2015. PubMed ID: 25174650; Cuccaro et al. 2016. PubMed ID: 27822510). In vitro experimental studies using HEK293 cells suggest this variant disrupts SORL1 trafficking to the cell surface, weakened APP binding, and altered APP processing, resulting in increased Aβ42 and Aβ40 production (Cuccaro et al. 2016. PubMed ID: 27822510). This variant is reported in 0.059% of alleles in individuals of European (non-Finnish) descent in gnomAD, which may be too frequent to be a primary cause of disease. At this time, the clinical significance of this variant is uncertain due to the absence of conclusive functional and genetic evidence.

Labcorp Genetics (formerly Invitae), Labcorp
Classification: Uncertain significance. Last evaluated: 2025-11-09. Review status: criteria provided, single submitter. Criteria: Invitae Variant Classification Sherloc (09022015). Collection method: clinical testing. Allele origin: germline.
Comment: This sequence change replaces threonine, which is neutral and polar, with methionine, which is neutral and non-polar, at codon 2134 of the SORL1 protein (p.Thr2134Met). This variant is present in population databases (rs142884576, gnomAD 0.06%), and has an allele count higher than expected for a pathogenic variant. This missense change has been observed in individual(s) with clinical features of SORL1-related conditions (PMID: 25174650, 27650968, 27822510, 28537274, 28789839). ClinVar contains an entry for this variant (Variation ID: 1375592). An algorithm developed to predict the effect of missense changes on protein structure and function (PolyPhen-2) suggests that this variant is likely to be disruptive. Experimental studies have shown that this missense change affects SORL1 function (PMID: 27822510). In summary, the available evidence is currently insufficient to determine the role of this variant in disease. Therefore, it has been classified as a Variant of Uncertain Significance.

Literature cited by the submitters: PubMed 25174650 (cited by Labcorp Genetics (formerly Invitae), Labcorp); PubMed 27650968 (cited by Labcorp Genetics (formerly Invitae), Labcorp); PubMed 27822510 (cited by Labcorp Genetics (formerly Invitae), Labcorp); PubMed 28537274 (cited by Labcorp Genetics (formerly Invitae), Labcorp); PubMed 28789839 (cited by Labcorp Genetics (formerly Invitae), Labcorp).

NM_003105.6(SORL1):c.6401C>T (p.Thr2134Met)

Gene: SORL1 (sortilin related receptor 1; plus strand). Cytogenetic location: 11q24.1.
Variant type: single nucleotide variant.
Coding change: c.6401C>T on transcript NM_003105.6 (MANE Select); coding-DNA position 6401, C replaced by T.
Protein change: p.Thr2134Met; replaces threonine 2134 with methionine.
Molecular consequence: missense variant.
Genome position (GRCh38, 1-based): chr11:121,627,591, C>T. VCF-style: chr11-121627591-C-T. GRCh37 (hg19) VCF-style: chr11-121498300-C-T.
Other names: c.6401C>T (NM_003105.5); short protein forms T2134M.
Identifiers: ClinVar variation 1375592 (VCV001375592.31), dbSNP rs142884576, ClinGen allele CA6330255.